The following is an entry in ClinVar:

NM_004817.4(TJP2):c.877C>T (p.Arg293Trp)

Gene: TJP2 (tight junction protein 2; plus strand). Cytogenetic location: 9q21.11.
Variant type: single nucleotide variant.
Coding change: c.877C>T on transcript NM_004817.4 (MANE Select); coding-DNA position 877, C replaced by T.
Protein change: p.Arg293Trp; replaces arginine 293 with tryptophan.
Molecular consequence: missense variant.
Genome position (GRCh38, 1-based): chr9:69,221,421, C>T. VCF-style: chr9-69221421-C-T. GRCh37 (hg19) VCF-style: chr9-71836337-C-T.
Other names: p.Arg293Trp; c.808C>T, p.Arg270Trp (NM_001170414.2, NM_001369870.1, NM_001369871.1); c.889C>T, p.Arg297Trp (NM_001170415.1, NM_001369874.1, NM_001369875.1); c.970C>T, p.Arg324Trp (NM_001170416.2); c.877C>T, p.Arg293Trp (NM_001369872.1, NM_001369873.1, NM_201629.3); short protein forms R270W, R293W, R297W, R324W.
Identifiers: ClinVar variation 1311744 (VCV001311744.6), dbSNP rs189916909, ClinGen allele CA5073119.

ClinVar aggregate classification (germline): Uncertain significance. Review status: criteria provided, multiple submitters, no conflicts (2 of 4 stars). 3 submissions from 3 submitters: Uncertain significance (3). Last evaluated 2025-09-23.

Allele frequency attached by ClinVar (database versions not stated): gnomAD 0.00005 and 0.00003; 1000 Genomes Project 30x 0.00031; 1000 Genomes Project 0.00040.
gnomAD v4.1: 25 of 1,586,486 alleles (0.0016%); highest among the groups gnomAD compares: East Asian, 0.03%; no homozygotes.

Submissions (3):

GeneDx
Classification: Uncertain significance. Last evaluated: 2025-09-23. Review status: criteria provided, single submitter. Criteria: GeneDx Variant Classification Process June 2021. Collection method: clinical testing. Allele origin: germline. Affected: yes.
Comment: Identified in a patient with intrahepatic cholestasis pregnancy in published literature (PMID: 32942997); In silico analysis suggests that this missense variant does not alter protein structure/function; This variant is associated with the following publications: (PMID: 32942997)

Mayo Clinic Laboratories, Mayo Clinic
Classification: Uncertain significance. Last evaluated: 2025-04-02. Review status: criteria provided, single submitter. Criteria: ACMG Guidelines, 2015. Collection method: clinical testing. Allele origin: germline. Observed: 1 variant allele.
Comment: BP4

Labcorp Genetics (formerly Invitae), Labcorp
Classification: Uncertain significance. Last evaluated: 2022-09-18. Review status: criteria provided, single submitter. Criteria: Invitae Variant Classification Sherloc (09022015). Collection method: clinical testing. Allele origin: germline.
Comment: This sequence change replaces arginine, which is basic and polar, with tryptophan, which is neutral and slightly polar, at codon 293 of the TJP2 protein (p.Arg293Trp). The frequency data for this variant in the population databases is considered unreliable, as metrics indicate poor data quality at this position in the gnomAD database. This missense change has been observed in individual(s) with intrahepatic cholestasis of pregnancy (PMID: 32942997). ClinVar contains an entry for this variant (Variation ID: 1311744). Algorithms developed to predict the effect of missense changes on protein structure and function are either unavailable or do not agree on the potential impact of this missense change (SIFT: "Tolerated"; PolyPhen-2: "Possibly Damaging"; Align-GVGD: "Class C0"). In summary, the available evidence is currently insufficient to determine the role of this variant in disease. Therefore, it has been classified as a Variant of Uncertain Significance.

Literature cited by the submitters: PubMed 32942997 (cited by Mayo Clinic Laboratories, Mayo Clinic and Labcorp Genetics (formerly Invitae), Labcorp).